The following is an entry in ClinVar:

NM_007294.4(BRCA1):c.5152+9A>T

Gene: BRCA1 (BRCA1 DNA repair associated; minus strand). Cytogenetic location: 17q21.31.
Variant type: single nucleotide variant.
Coding change: c.5152+9A>T on transcript NM_007294.4 (MANE Select); 9 bases into the intron after coding-DNA position 5152, A replaced by T.
Molecular consequence: intron variant.
Genome position (GRCh38, 1-based): chr17:43,063,865, T>A on the plus strand (A>T on the coding strand, the complement: BRCA1 is on the minus strand). VCF-style: chr17-43063865-T-A. GRCh37 (hg19) VCF-style: chr17-41215882-T-A.
Other names: c.1576+9A>T (NM_001408503.1, NM_001408502.1, NM_001408504.1); c.5008+9A>T (NM_001407943.1, NM_001407748.1, NM_001407752.1 and 21 more transcripts); c.1579+9A>T (NM_001408500.1, NM_001408497.1, NM_001408496.1 and 3 more transcripts); c.4888+9A>T (NM_001407921.1, NM_001407926.1, NM_001407924.1 and 4 more transcripts); c.1699+9A>T (NM_001408466.1, NM_001408460.1, NM_001408465.1 and 7 more transcripts); c.1702+9A>T (NM_001408452.1, NM_001408457.1, NM_001408454.1 and 3 more transcripts); c.5005+9A>T (NM_001407850.1, NM_001407844.1, NM_001407851.1 and 12 more transcripts); c.5011+9A>T (NM_001407730.1, NM_001407692.1, NM_001407729.1 and 13 more transcripts); and 73 more.
Identifiers: ClinVar variation 415582 (VCV000415582.51), dbSNP rs1060504576, ClinGen allele CA16615655.

ClinVar aggregate classification (germline): Likely benign. Review status: criteria provided, multiple submitters, no conflicts (2 of 4 stars). 4 submissions from 4 submitters: Likely benign (4). Last evaluated 2025-03-04.

Conditions:
Hereditary breast ovarian cancer syndrome. Also called: Hereditary breast and ovarian cancer syndrome; Breast and ovarian cancer; Hereditary breast and ovarian cancer syndrome (HBOC); Hereditary breast and/or ovarian cancer syndrome; BRCA1- and BRCA2-Associated Hereditary Breast and Ovarian Cancer; Hereditary breast and ovarian cancer. Identifiers: Orphanet 145, MedGen C0677776, MeSH D061325, MONDO:0003582. Disease mechanism: loss of function.
Hereditary cancer-predisposing syndrome. Also called: Neoplastic Syndromes, Hereditary; Hereditary neoplastic syndrome; Hereditary Cancer Syndrome; Tumor predisposition. Identifiers: Orphanet 140162, MedGen C0027672, MeSH D009386, MONDO:0015356.

Submissions (5):

Center for Genomic Medicine, Rigshospitalet, Copenhagen University Hospital
Classification: Likely benign. Last evaluated: 2025-03-04. Review status: criteria provided, single submitter. Criteria: ACMG Guidelines, 2015. Collection method: clinical testing. Allele origin: germline.

Labcorp Genetics (formerly Invitae), Labcorp
Classification: Likely benign for Hereditary breast ovarian cancer syndrome. Last evaluated: 2024-09-15. Review status: criteria provided, single submitter. Criteria: Invitae Variant Classification Sherloc (09022015). Collection method: clinical testing. Allele origin: germline.

Genetics Program, Instituto Nacional de Cancer
Classification: Likely benign for Hereditary breast ovarian cancer syndrome. Last evaluated: 2021-11-01. Review status: criteria provided, single submitter. Criteria: ACMG Guidelines, 2015. Collection method: research. Allele origin: germline. Affected: yes.

Color Diagnostics, LLC DBA Color Health
Classification: Likely benign for Hereditary cancer-predisposing syndrome. Last evaluated: 2017-06-19. Review status: criteria provided, single submitter. Criteria: ACMG Guidelines, 2015. Collection method: clinical testing. Allele origin: germline.

Brotman Baty Institute, University of Washington
No classification provided (evidence only). Condition: Breast-ovarian cancer, familial 1. Review status: no classification provided. Collection method: in vitro. Allele origin: not applicable. Functional consequence: functionally_normal. Not counted in ClinVar's aggregate classification.
ClinVar note: "not provided" was previously submitted as the classification for the variant. However, the classification appeared to be based only on an observation of functional data so it was converted to no classification on 2025-07-30.

Literature cited by the submitters: PubMed 36329109 (cited by Genetics Program, Instituto Nacional de Cancer).